The following is an entry in ClinVar:

NM_032119.4(ADGRV1):c.2068T>A (p.Trp690Arg)

Gene: ADGRV1 (adhesion G protein-coupled receptor V1; plus strand). Cytogenetic location: 5q14.3.
Variant type: single nucleotide variant.
Coding change: c.2068T>A on transcript NM_032119.4 (MANE Select); coding-DNA position 2068, T replaced by A.
Protein change: p.Trp690Arg; replaces tryptophan 690 with arginine.
Molecular consequence: missense variant. On other transcripts: non-coding transcript variant (1).
Genome position (GRCh38, 1-based): chr5:90,637,776, T>A. VCF-style: chr5-90637776-T-A. GRCh37 (hg19) VCF-style: chr5-89933593-T-A.
Other names: c.2068T>A (NM_032119.3); short protein forms W690R.
Identifiers: ClinVar variation 1921120 (VCV001921120.3), dbSNP rs746030745, ClinGen allele CA3338826.

ClinVar aggregate classification (germline): Uncertain significance. Review status: criteria provided, multiple submitters, no conflicts (2 of 4 stars). 2 submissions from 2 submitters: Uncertain significance (2). Last evaluated 2025-04-14.

Conditions:
Inborn genetic diseases. Identifiers: MedGen C0950123, MeSH D030342.

Allele frequency attached by ClinVar (database versions not stated): ExAC 0.00001; gnomAD exomes 0.00001.
gnomAD v4.1: 20 of 1,613,602 alleles (0.0012%); highest among the groups gnomAD compares: Admixed American, 0.0017%; no homozygotes.

Submissions (2):

Ambry Genetics
Classification: Uncertain significance for Inborn genetic diseases. Last evaluated: 2025-04-14. Review status: criteria provided, single submitter. Criteria: Ambry Variant Classification Scheme 2023. Collection method: clinical testing. Allele origin: germline.

Labcorp Genetics (formerly Invitae), Labcorp
Classification: Uncertain significance. Last evaluated: 2022-05-28. Review status: criteria provided, single submitter. Criteria: Invitae Variant Classification Sherloc (09022015). Collection method: clinical testing. Allele origin: germline.
Comment: This sequence change replaces tryptophan, which is neutral and slightly polar, with arginine, which is basic and polar, at codon 690 of the ADGRV1 protein (p.Trp690Arg). This variant is present in population databases (rs746030745, gnomAD 0.003%). This variant has not been reported in the literature in individuals affected with ADGRV1-related conditions. Algorithms developed to predict the effect of missense changes on protein structure and function (SIFT, PolyPhen-2, Align-GVGD) all suggest that this variant is likely to be disruptive. In summary, the available evidence is currently insufficient to determine the role of this variant in disease. Therefore, it has been classified as a Variant of Uncertain Significance.